The following is an entry in ClinVar:

NM_001369369.1(FOXN1):c.1154T>C (p.Ile385Thr)

Gene: FOXN1 (forkhead box N1; plus strand). Cytogenetic location: 17q11.2.
Variant type: single nucleotide variant.
Coding change: c.1154T>C on transcript NM_001369369.1 (MANE Select); coding-DNA position 1154, T replaced by C.
Protein change: p.Ile385Thr; replaces isoleucine 385 with threonine.
Molecular consequence: missense variant.
Genome position (GRCh38, 1-based): chr17:28,534,725, T>C. VCF-style: chr17-28534725-T-C. GRCh37 (hg19) VCF-style: chr17-26861743-T-C.
Other names: c.1154T>C, p.Ile385Thr (NM_003593.3); short protein forms I385T.
Identifiers: ClinVar variation 3624469 (VCV003624469.1).

ClinVar aggregate classification (germline): Uncertain significance (1 of 4 stars; one submission).

Conditions:
T-cell immunodeficiency, congenital alopecia, and nail dystrophy. Also called: Congenital alopecia and nail dystrophy associated with severe functional T-cell immunodeficiency; Pignata Guarino syndrome. Identifiers: Orphanet 169095, MedGen C1866426, MONDO:0011132, OMIM 601705.

gnomAD v4.1: 42 of 1,613,396 alleles (0.0026%); highest among the groups gnomAD compares: Non-Finnish European, 0.0031%; no homozygotes.

Submission:

Labcorp Genetics (formerly Invitae), Labcorp
Classification: Uncertain significance for T-cell immunodeficiency, congenital alopecia, and nail dystrophy. Last evaluated: 2024-07-01. Review status: criteria provided, single submitter. Criteria: Invitae Variant Classification Sherloc (09022015). Collection method: clinical testing. Allele origin: germline.
Comment: This sequence change replaces isoleucine, which is neutral and non-polar, with threonine, which is neutral and polar, at codon 385 of the FOXN1 protein (p.Ile385Thr). This variant is present in population databases (rs751890749, gnomAD 0.004%). This variant has not been reported in the literature in individuals affected with FOXN1-related conditions. Advanced modeling of protein sequence and biophysical properties (such as structural, functional, and spatial information, amino acid conservation, physicochemical variation, residue mobility, and thermodynamic stability) performed at Invitae indicates that this missense variant is not expected to disrupt FOXN1 protein function with a negative predictive value of 80%. In summary, the available evidence is currently insufficient to determine the role of this variant in disease. Therefore, it has been classified as a Variant of Uncertain Significance.